The following is an entry in ClinVar:

ClinVar aggregate classification (germline): Uncertain significance. Review status: criteria provided, multiple submitters, no conflicts (2 of 4 stars). 3 submissions from 3 submitters: Uncertain significance (3). Last evaluated 2024-09-18.

Conditions:
Episodic ataxia type 2 (EA2). Also called: ACETAZOLAMIDE-RESPONSIVE HEREDITARY PAROXYSMAL CEREBELLAR ATAXIA; EPISODIC ATAXIA, NYSTAGMUS-ASSOCIATED; ATAXIA, EPISODIC, WITH NYSTAGMUS; ATAXIA, FAMILIAL PAROXYSMAL; CEREBELLAR ATAXIA, PAROXYSMAL, ACETAZOLAMIDE-RESPONSIVE; CEREBELLOPATHY, HEREDITARY PAROXYSMAL. Identifiers: Orphanet 97, MedGen C1720416, MONDO:0007163, OMIM 108500.
Developmental and epileptic encephalopathy, 42 (DEE42A). Also called: DEVELOPMENTAL AND EPILEPTIC ENCEPHALOPATHY 42A; EPILEPTIC ENCEPHALOPATHY, EARLY INFANTILE, 42A; Epileptic encephalopathy, early infantile, 42. Identifiers: MedGen C4310716, MONDO:0014917, OMIM 617106.

Allele frequency attached by ClinVar (database versions not stated): gnomAD 0.00001; gnomAD exomes 0.00001; 1000 Genomes Project 0.00020; 1000 Genomes Project 30x 0.00031.
gnomAD v4.1: 4 of 1,509,482 alleles (0.00026%); highest among the groups gnomAD compares: South Asian, 0.0025%; no homozygotes.

Submissions (3):

Labcorp Genetics (formerly Invitae), Labcorp
Classification: Uncertain significance for Developmental and epileptic encephalopathy, 42; Episodic ataxia type 2. Last evaluated: 2024-09-18. Review status: criteria provided, single submitter. Criteria: Invitae Variant Classification Sherloc (09022015). Collection method: clinical testing. Allele origin: germline.
Comment: This sequence change replaces arginine, which is basic and polar, with cysteine, which is neutral and slightly polar, at codon 963 of the CACNA1A protein (p.Arg963Cys). The frequency data for this variant in the population databases is considered unreliable, as metrics indicate poor data quality at this position in the gnomAD database. This variant has not been reported in the literature in individuals affected with CACNA1A-related conditions. ClinVar contains an entry for this variant (Variation ID: 1182379). Invitae Evidence Modeling of protein sequence and biophysical properties (such as structural, functional, and spatial information, amino acid conservation, physicochemical variation, residue mobility, and thermodynamic stability) indicates that this missense variant is not expected to disrupt CACNA1A protein function with a negative predictive value of 95%. In summary, the available evidence is currently insufficient to determine the role of this variant in disease. Therefore, it has been classified as a Variant of Uncertain Significance.

Revvity Omics, Revvity
Classification: Uncertain significance. Last evaluated: 2024-07-05. Review status: criteria provided, single submitter. Criteria: ACMG Guidelines, 2015. Collection method: clinical testing. Allele origin: germline.

GeneDx
Classification: Uncertain significance. Last evaluated: 2021-02-03. Review status: criteria provided, single submitter. Criteria: GeneDx Variant Classification Process June 2021. Collection method: clinical testing. Allele origin: germline. Affected: yes.
Comment: Has not been previously published as pathogenic or benign to our knowledge; Not observed at a significant frequency in large population cohorts (Lek et al., 2016); In silico analysis supports that this missense variant has a deleterious effect on protein structure/function

NM_001127222.2(CACNA1A):c.2884C>T (p.Arg962Cys)

Gene: CACNA1A (calcium voltage-gated channel subunit alpha1 A; minus strand). Cytogenetic location: 19p13.13.
Variant type: single nucleotide variant.
Coding change: c.2884C>T on transcript NM_001127222.2 (MANE Select); coding-DNA position 2884, C replaced by T.
Protein change: p.Arg962Cys; replaces arginine 962 with cysteine.
Molecular consequence: missense variant.
Genome position (GRCh38, 1-based): chr19:13,298,749, G>A on the plus strand (C>T on the coding strand, the complement: CACNA1A is on the minus strand). VCF-style: chr19-13298749-G-A. GRCh37 (hg19) VCF-style: chr19-13409563-G-A.
Other names: c.2896C>T, p.Arg966Cys (NM_000068.4, NM_023035.3); c.2887C>T, p.Arg963Cys (NM_001127221.2, NM_001174080.2); short protein forms R962C, R963C, R966C.
Identifiers: ClinVar variation 1182379 (VCV001182379.8), dbSNP rs532842904, ClinGen allele CA305506231.